The following is an entry in ClinVar:

ClinVar aggregate classification (germline): Uncertain significance (1 of 4 stars; one submission).

Conditions:
Hereditary spastic paraplegia 54. Also called: Spastic paraplegia 54, autosomal recessive. Identifiers: Orphanet 320380, MedGen C3539495, MONDO:0014018, OMIM 615033.

Allele frequency attached by ClinVar (database versions not stated): gnomAD exomes below 0.00001.
gnomAD v4.1: 1 of 1,614,148 alleles (0.000062%); highest among the groups gnomAD compares: East Asian, 0.0022%; no homozygotes.

Submission:

Labcorp Genetics (formerly Invitae), Labcorp
Classification: Uncertain significance for Hereditary spastic paraplegia 54. Last evaluated: 2020-12-10. Review status: criteria provided, single submitter. Criteria: Invitae Variant Classification Sherloc (09022015). Collection method: clinical testing. Allele origin: germline.
Comment: This sequence change replaces threonine with isoleucine at codon 475 of the DDHD2 protein (p.Thr475Ile). The threonine residue is weakly conserved and there is a moderate physicochemical difference between threonine and isoleucine. This variant is not present in population databases (ExAC no frequency). This variant has not been reported in the literature in individuals with DDHD2-related conditions. Algorithms developed to predict the effect of missense changes on protein structure and function (SIFT, PolyPhen-2, Align-GVGD) all suggest that this variant is likely to be tolerated, but these predictions have not been confirmed by published functional studies and their clinical significance is uncertain. In summary, the available evidence is currently insufficient to determine the role of this variant in disease. Therefore, it has been classified as a Variant of Uncertain Significance.

NM_015214.3(DDHD2):c.1424C>T (p.Thr475Ile)

Gene: DDHD2 (DDHD domain containing 2; plus strand). Cytogenetic location: 8p11.23.
Variant type: single nucleotide variant.
Coding change: c.1424C>T on transcript NM_015214.3 (MANE Select); coding-DNA position 1424, C replaced by T.
Protein change: p.Thr475Ile; replaces threonine 475 with isoleucine.
Molecular consequence: missense variant. On other transcripts: non-coding transcript variant (2).
Genome position (GRCh38, 1-based): chr8:38,251,991, C>T. VCF-style: chr8-38251991-C-T. GRCh37 (hg19) VCF-style: chr8-38109509-C-T.
Other names: c.1424C>T, p.Thr475Ile (NM_001164232.2, NM_001362911.2, NM_001362912.2 and 1 more transcripts); c.1334C>T, p.Thr445Ile (NM_001362913.2); short protein forms T445I, T475I.
Identifiers: ClinVar variation 1468537 (VCV001468537.8), dbSNP rs2130847879, ClinGen allele CA370691062.